The following is an entry in ClinVar:

NM_018136.5(ASPM):c.7025A>C (p.Gln2342Pro)

Gene: ASPM (assembly factor for spindle microtubules; minus strand). Cytogenetic location: 1q31.3.
Variant type: single nucleotide variant.
Coding change: c.7025A>C on transcript NM_018136.5 (MANE Select); coding-DNA position 7025, A replaced by C.
Protein change: p.Gln2342Pro; replaces glutamine 2342 with proline.
Molecular consequence: missense variant. On other transcripts: intron variant (1).
Genome position (GRCh38, 1-based): chr1:197,102,226, T>G on the plus strand (A>C on the coding strand, the complement: ASPM is on the minus strand). VCF-style: chr1-197102226-T-G. GRCh37 (hg19) VCF-style: chr1-197071356-T-G.
Other names: c.4066-6062A>C (NM_001206846.2); short protein forms Q2342P.
Identifiers: ClinVar variation 1408075 (VCV001408075.8), dbSNP rs772818033, ClinGen allele CA1309473.

ClinVar aggregate classification (germline): Uncertain significance (1 of 4 stars; one submission).

Allele frequency attached by ClinVar (database versions not stated): gnomAD exomes below 0.00001 and 0.00007; ExAC 0.00001; gnomAD 0.00002; TOPMed 0.00002.

Submission:

Labcorp Genetics (formerly Invitae), Labcorp
Classification: Uncertain significance. Last evaluated: 2020-11-21. Review status: criteria provided, single submitter. Criteria: Invitae Variant Classification Sherloc (09022015). Collection method: clinical testing. Allele origin: germline.
Comment: In summary, the available evidence is currently insufficient to determine the role of this variant in disease. Therefore, it has been classified as a Variant of Uncertain Significance. Algorithms developed to predict the effect of missense changes on protein structure and function are either unavailable or do not agree on the potential impact of this missense change (SIFT: "Deleterious"; PolyPhen-2: "Probably Damaging"; Align-GVGD: "Class C0"). This variant has not been reported in the literature in individuals with ASPM-related conditions. This variant is present in population databases (rs772818033, ExAC 0.002%). This sequence change replaces glutamine with proline at codon 2342 of the ASPM protein (p.Gln2342Pro). The glutamine residue is highly conserved and there is a moderate physicochemical difference between glutamine and proline.